The following is an entry in ClinVar:

ClinVar aggregate classification (germline): Uncertain significance (1 of 4 stars; one submission).

Conditions:
Cardiovascular phenotype. Identifiers: MedGen CN230736.

Allele frequency attached by ClinVar (database versions not stated): gnomAD exomes below 0.00001.
gnomAD v4.1: 1 of 1,614,070 alleles (0.000062%); highest among the groups gnomAD compares: Non-Finnish European, 0.000085%; no homozygotes.

Submission:

Ambry Genetics
Classification: Uncertain significance for Cardiovascular phenotype. Last evaluated: 2022-02-04. Review status: criteria provided, single submitter. Criteria: Ambry Variant Classification Scheme 2023. Collection method: clinical testing. Allele origin: germline.
Comment: The p.T2782A variant (also known as c.8344A>G), located in coding exon 33 of the AKAP9 gene, results from an A to G substitution at nucleotide position 8344. The threonine at codon 2782 is replaced by alanine, an amino acid with similar properties. This amino acid position is conserved. In addition, this alteration is predicted to be tolerated by in silico analysis. Since supporting evidence is limited at this time, the clinical significance of this alteration remains unclear.

NM_005751.5(AKAP9):c.8344A>G (p.Thr2782Ala)

Gene: AKAP9 (A-kinase anchoring protein 9; plus strand). Cytogenetic location: 7q21.2.
Variant type: single nucleotide variant.
Coding change: c.8344A>G on transcript NM_005751.5 (MANE Select); coding-DNA position 8344, A replaced by G.
Protein change: p.Thr2782Ala; replaces threonine 2782 with alanine.
Molecular consequence: missense variant.
Genome position (GRCh38, 1-based): chr7:92,083,353, A>G. VCF-style: chr7-92083353-A-G. GRCh37 (hg19) VCF-style: chr7-91712667-A-G.
Other names: c.2989A>G, p.Thr997Ala (NM_001379277.1); c.8320A>G, p.Thr2774Ala (NM_147185.3); short protein forms T997A, T2774A, T2782A.
Identifiers: ClinVar variation 1763008 (VCV001763008.2), dbSNP rs2535258208, ClinGen allele CA368138632.
Genomic context (GRCh38, chr7:92,083,353, plus strand): 5'-AAAAAGGCCTGCATGTTTGAGCCACTTCCTATAAAACTGAGTAAGAGCATTGCATCCCAG[A>G]CAGATGGGACTCTGAAGATCAGTAGCAGCAATCAGACTCCACAAATTCTTGTTAAAAATG-3'
Protein context (NP_005742.4, residues 2772-2792): IKLSKSIASQ[Thr2782Ala]DGTLKISSSN